The following is an entry in ClinVar:

ClinVar aggregate classification (germline): Pathogenic (1 of 4 stars; one submission).

Conditions:
Osteogenesis imperfecta type I (OI1). Also called: OI, TYPE I; OSTEOGENESIS IMPERFECTA TARDA; OSTEOGENESIS IMPERFECTA WITH BLUE SCLERAE; Osteogenesis imperfecta type 1; Lobstein's Disease; Lobstein disease. Identifiers: Orphanet 216796, Orphanet 666, MedGen C0023931, MONDO:0008146, OMIM 166200. Disease mechanism: loss of function.

Submission:

Labcorp Genetics (formerly Invitae), Labcorp
Classification: Pathogenic for Osteogenesis imperfecta type I. Last evaluated: 2019-06-20. Review status: criteria provided, single submitter. Criteria: Invitae Variant Classification Sherloc (09022015). Collection method: clinical testing. Allele origin: germline.
Comment: For these reasons, this variant has been classified as Pathogenic. Donor and acceptor splice site variants typically lead to a loss of protein function (PMID: 16199547), and loss-of-function variants in COL1A1 are known to be pathogenic (PMID: 9443882, 9295084, 7942841). This variant has been reported in individuals affected with osteogenesis imperfecta type I (PMID: 15241796, Invitae). ClinVar contains an entry for this variant (Variation ID: 456741). This variant is not present in population databases (ExAC no frequency). This sequence change affects a donor splice site in intron 30 of the COL1A1 gene. It is expected to disrupt RNA splicing and likely results in an absent or disrupted protein product.

Literature cited by the submitters: PubMed 16199547; PubMed 9443882; PubMed 9295084; PubMed 7942841; PubMed 15241796.

NM_000088.4(COL1A1):c.2028+2T>G

Gene: COL1A1 (collagen type I alpha 1 chain; minus strand). Cytogenetic location: 17q21.33.
Variant type: single nucleotide variant.
Coding change: c.2028+2T>G on transcript NM_000088.4 (MANE Select); the canonical splice donor site of the intron after coding-DNA position 2028, T replaced by G.
Molecular consequence: splice donor variant.
Genome position (GRCh38, 1-based): chr17:50,191,978, A>C on the plus strand (T>G on the coding strand, the complement: COL1A1 is on the minus strand). VCF-style: chr17-50191978-A-C. GRCh37 (hg19) VCF-style: chr17-48269339-A-C.
Identifiers: ClinVar variation 456741 (VCV000456741.11), dbSNP rs72651635, ClinGen allele CA291544088.